The following is an entry in ClinVar:

NM_001365999.1(SZT2):c.5025-18_5025-17delinsGG

Gene: SZT2 (SZT2 subunit of KICSTOR complex; plus strand). Cytogenetic location: 1p34.2.
Variant type: Indel.
Coding change: c.5025-18_5025-17delinsGG on transcript NM_001365999.1 (MANE Select); 18 bases into the intron before coding-DNA position 5025 through 17 bases into the intron before coding-DNA position 5025, AA replaced by GG.
Molecular consequence: intron variant.
Genome position (GRCh38, 1-based): chr1:43,431,442-43,431,443, AA replaced by GG. VCF-style: chr1-43431442-AA-GG. GRCh37 (hg19) VCF-style: chr1-43897113-AA-GG.
Other names: c.4854-18_4854-17delinsGG (NM_015284.4).
Identifiers: ClinVar variation 2084068 (VCV002084068.4), dbSNP rs2545829113, ClinGen allele CA2580062836.

ClinVar aggregate classification (germline): Uncertain significance (1 of 4 stars; one submission).

Submission:

Labcorp Genetics (formerly Invitae), Labcorp
Classification: Uncertain significance. Last evaluated: 2023-08-24. Review status: criteria provided, single submitter. Criteria: Invitae Variant Classification Sherloc (09022015). Collection method: clinical testing. Allele origin: germline.
Comment: In summary, the available evidence is currently insufficient to determine the role of this variant in disease. Therefore, it has been classified as a Variant of Uncertain Significance. Experimental studies and prediction algorithms are not available or were not evaluated, and the effect of this variant on mRNA splicing is currently unknown. ClinVar contains an entry for this variant (Variation ID: 2084068). This variant has not been reported in the literature in individuals affected with SZT2-related conditions. Information on the frequency of this variant in the gnomAD database is not available, as this variant may be reported differently in the database. This sequence change falls in intron 33 of the SZT2 gene. It does not directly change the encoded amino acid sequence of the SZT2 protein.